The following is an entry in ClinVar:

ClinVar aggregate classification (germline): Uncertain significance (1 of 4 stars; one submission).

Submission:

Ambry Genetics
Classification: Uncertain significance. Last evaluated: 2026-06-16. Review status: criteria provided, single submitter. Criteria: Ambry Variant Classification Scheme 2023. Collection method: clinical testing. Allele origin: germline.
Comment: The p.E148Q variant (also known as c.442G>C), located in coding exon 1 of the EGLN1 gene, results from a G to C substitution at nucleotide position 442. The glutamic acid at codon 148 is replaced by glutamine, an amino acid with highly similar properties. This amino acid position is conserved. In addition, this alteration is predicted to be tolerated by in silico analysis. Based on the available evidence, the clinical significance of this variant remains unclear.

NM_022051.3(EGLN1):c.442G>C (p.Glu148Gln)

Gene: EGLN1 (egl-9 family hypoxia inducible factor 1; minus strand). Cytogenetic location: 1q42.2.
Variant type: single nucleotide variant.
Coding change: c.442G>C on transcript NM_022051.3 (MANE Select); coding-DNA position 442, G replaced by C.
Protein change: p.Glu148Gln; replaces glutamic acid 148 with glutamine.
Molecular consequence: missense variant.
Genome position (GRCh38, 1-based): chr1:231,421,447, C>G on the plus strand (G>C on the coding strand, the complement: EGLN1 is on the minus strand). VCF-style: chr1-231421447-C-G. GRCh37 (hg19) VCF-style: chr1-231557193-C-G.
Other names: c.442G>C, p.Glu148Gln (NM_001377260.1, NM_001377261.1); short protein forms E148Q.
Identifiers: ClinVar variation 5035851 (VCV005035851.1).